The following is an entry in ClinVar:

NM_152594.3(SPRED1):c.58G>C (p.Val20Leu)

Gene: SPRED1 (sprouty related EVH1 domain containing 1; plus strand). Cytogenetic location: 15q14.
Variant type: single nucleotide variant.
Coding change: c.58G>C on transcript NM_152594.3 (MANE Select); coding-DNA position 58, G replaced by C.
Protein change: p.Val20Leu; replaces valine 20 with leucine.
Molecular consequence: missense variant.
Genome position (GRCh38, 1-based): chr15:38,299,398, G>C. VCF-style: chr15-38299398-G-C. GRCh37 (hg19) VCF-style: chr15-38591599-G-C.
Other names: short protein forms V20L.
Identifiers: ClinVar variation 1375503 (VCV001375503.7), dbSNP rs780614363, ClinGen allele CA7469992.

ClinVar aggregate classification (germline): Uncertain significance. Review status: criteria provided, multiple submitters, no conflicts (2 of 4 stars). 2 submissions from 2 submitters: Uncertain significance (2). Last evaluated 2026-04-03.

Conditions:
Legius syndrome. Identifiers: Orphanet 137605, MedGen C1969623, MONDO:0012669, OMIM 611431. Disease mechanism: loss of function.

Allele frequency attached by ClinVar (database versions not stated): gnomAD exomes below 0.00001 and 0.00001; TOPMed below 0.00001; ExAC 0.00001.
gnomAD v4.1: 2 of 1,613,972 alleles (0.00012%); highest among the groups gnomAD compares: East Asian, 0.0045%; no homozygotes.

Submissions (2):

Women's Health and Genetics/Laboratory Corporation of America, LabCorp
Classification: Uncertain significance. Last evaluated: 2026-04-03. Review status: criteria provided, single submitter. Criteria: LabCorp Variant Classification Summary - May 2015. Collection method: clinical testing. Allele origin: germline.

Labcorp Genetics (formerly Invitae), Labcorp
Classification: Uncertain significance for Legius syndrome. Last evaluated: 2023-05-02. Review status: criteria provided, single submitter. Criteria: Invitae Variant Classification Sherloc (09022015). Collection method: clinical testing. Allele origin: germline.
Comment: In summary, the available evidence is currently insufficient to determine the role of this variant in disease. Therefore, it has been classified as a Variant of Uncertain Significance. This sequence change replaces valine, which is neutral and non-polar, with leucine, which is neutral and non-polar, at codon 20 of the SPRED1 protein (p.Val20Leu). This variant is present in population databases (rs780614363, gnomAD 0.02%). This variant has not been reported in the literature in individuals affected with SPRED1-related conditions. ClinVar contains an entry for this variant (Variation ID: 1375503). Advanced modeling of protein sequence and biophysical properties (such as structural, functional, and spatial information, amino acid conservation, physicochemical variation, residue mobility, and thermodynamic stability) performed at Invitae indicates that this missense variant is not expected to disrupt SPRED1 protein function.